The following is an entry in ClinVar:

ClinVar aggregate classification (germline): Uncertain significance (1 of 4 stars; one submission).

Conditions:
Joubert syndrome 8 (JBTS8). Identifiers: Orphanet 475, MedGen C2676771, MONDO:0012855, OMIM 612291.

Submission:

Labcorp Genetics (formerly Invitae), Labcorp
Classification: Uncertain significance for Joubert syndrome 8. Last evaluated: 2021-03-18. Review status: criteria provided, single submitter. Criteria: Invitae Variant Classification Sherloc (09022015). Collection method: clinical testing. Allele origin: germline.
Comment: This variant is not present in population databases (ExAC no frequency). In summary, the available evidence is currently insufficient to determine the role of this variant in disease. Therefore, it has been classified as a Variant of Uncertain Significance. Algorithms developed to predict the effect of missense changes on protein structure and function are either unavailable or do not agree on the potential impact of this missense change (SIFT: "Tolerated"; PolyPhen-2: "Possibly Damaging"; Align-GVGD: "Class C0"). This variant has not been reported in the literature in individuals with ARL13B-related conditions. This sequence change replaces lysine with arginine at codon 408 of the ARL13B protein (p.Lys408Arg). The lysine residue is moderately conserved and there is a small physicochemical difference between lysine and arginine.

NM_001174150.2(ARL13B):c.1223A>G (p.Lys408Arg)

Gene: ARL13B (ARF like GTPase 13B; plus strand). Cytogenetic location: 3q11.2.
Variant type: single nucleotide variant.
Coding change: c.1223A>G on transcript NM_001174150.2 (MANE Select); coding-DNA position 1223, A replaced by G.
Protein change: p.Lys408Arg; replaces lysine 408 with arginine.
Molecular consequence: missense variant. On other transcripts: non-coding transcript variant (2).
Genome position (GRCh38, 1-based): chr3:94,053,199, A>G. VCF-style: chr3-94053199-A-G. GRCh37 (hg19) VCF-style: chr3-93772043-A-G.
Other names: c.914A>G, p.Lys305Arg (NM_001174151.2); c.1178A>G, p.Lys393Arg (NM_001321328.2); c.902A>G, p.Lys301Arg (NM_144996.4); c.1223A>G, p.Lys408Arg (NM_182896.3); short protein forms K301R, K393R, K305R, K408R.
Identifiers: ClinVar variation 1379633 (VCV001379633.8), dbSNP rs2107208074, ClinGen allele CA353679885.